The following is an entry in ClinVar:

NM_005476.7(GNE):c.1304C>T (p.Thr435Ile)

Gene: GNE (glucosamine (UDP-N-acetyl)-2-epimerase/N-acetylmannosamine kinase; minus strand). Cytogenetic location: 9p13.3.
Variant type: single nucleotide variant.
Coding change: c.1304C>T on transcript NM_005476.7 (MANE Select); coding-DNA position 1304, C replaced by T.
Protein change: p.Thr435Ile; replaces threonine 435 with isoleucine.
Molecular consequence: missense variant.
Genome position (GRCh38, 1-based): chr9:36,223,480, G>A on the plus strand (C>T on the coding strand, the complement: GNE is on the minus strand). VCF-style: chr9-36223480-G-A. GRCh37 (hg19) VCF-style: chr9-36223477-G-A.
Other names: c.1397C>T, p.Thr466Ile (NM_001128227.3); c.1304C>T, p.Thr435Ile (NM_001190383.3); c.974C>T, p.Thr325Ile (NM_001190384.3); c.1127C>T, p.Thr376Ile (NM_001190388.2, NM_001374798.1); c.1151C>T, p.Thr384Ile (NM_001374797.1); short protein forms T435I, T466I, T325I, T384I, T376I.
Identifiers: ClinVar variation 582243 (VCV000582243.10), dbSNP rs1563930778, ClinGen allele CA373427960.

ClinVar aggregate classification (germline): Uncertain significance (1 of 4 stars; one submission).

Conditions:
GNE myopathy (NM). Also called: IBM 2; Inclusion body myopathy autosomal recessive; Inclusion body myopathy quadriceps sparing; INCLUSION BODY MYOPATHY, HEREDITARY, AUTOSOMAL RECESSIVE; INCLUSION BODY MYOPATHY 2, AUTOSOMAL RECESSIVE; MYOPATHY, DISTAL, WITH OR WITHOUT RIMMED VACUOLES. Identifiers: Orphanet 602, MedGen C1853926, MONDO:0011603, OMIM 605820.
Sialuria. Also called: SIALURIA, FRENCH TYPE; Sialic Acid Storage Disease. Identifiers: Orphanet 3166, MedGen C0342853, MONDO:0010028, OMIM 269921.

Submission:

Labcorp Genetics (formerly Invitae), Labcorp
Classification: Uncertain significance for Sialuria; GNE myopathy. Last evaluated: 2023-12-01. Review status: criteria provided, single submitter. Criteria: Invitae Variant Classification Sherloc (09022015). Collection method: clinical testing. Allele origin: germline.
Comment: This sequence change replaces threonine, which is neutral and polar, with isoleucine, which is neutral and non-polar, at codon 466 of the GNE protein (p.Thr466Ile). This variant is not present in population databases (gnomAD no frequency). This variant has not been reported in the literature in individuals affected with GNE-related conditions. ClinVar contains an entry for this variant (Variation ID: 582243). Advanced modeling of protein sequence and biophysical properties (such as structural, functional, and spatial information, amino acid conservation, physicochemical variation, residue mobility, and thermodynamic stability) has been performed at Invitae for this missense variant, however the output from this modeling did not meet the statistical confidence thresholds required to predict the impact of this variant on GNE protein function. In summary, the available evidence is currently insufficient to determine the role of this variant in disease. Therefore, it has been classified as a Variant of Uncertain Significance.